The following is an entry in ClinVar:

ClinVar aggregate classification (germline): Uncertain significance (1 of 4 stars; one submission).

Conditions:
Fanconi anemia (FA). Also called: Fanconi's anemia. Identifiers: Orphanet 84, MedGen C0015625, MeSH D005199, MONDO:0019391.

Allele frequency attached by ClinVar (database versions not stated): 1000 Genomes Project 30x 0.00016; 1000 Genomes Project 0.00020.
gnomAD v4.1: 53 of 1,613,708 alleles (0.0033%); highest among the groups gnomAD compares: African/African-American, 0.033%; 1 homozygote.

Submission:

Labcorp Genetics (formerly Invitae), Labcorp
Classification: Uncertain significance for Fanconi anemia. Last evaluated: 2025-07-30. Review status: criteria provided, single submitter. Criteria: Invitae Variant Classification Sherloc (09022015). Collection method: clinical testing. Allele origin: germline.
Comment: This sequence change replaces asparagine, which is neutral and polar, with serine, which is neutral and polar, at codon 757 of the FANCI protein (p.Asn757Ser). This variant is present in population databases (rs111883566, gnomAD 0.007%). This variant has not been reported in the literature in individuals affected with FANCI-related conditions. ClinVar contains an entry for this variant (Variation ID: 1372928). Invitae Evidence Modeling of protein sequence and biophysical properties (such as structural, functional, and spatial information, amino acid conservation, physicochemical variation, residue mobility, and thermodynamic stability) has been performed for this missense variant. However, the output from this modeling did not meet the statistical confidence thresholds required to predict the impact of this variant on FANCI protein function. In summary, the available evidence is currently insufficient to determine the role of this variant in disease. Therefore, it has been classified as a Variant of Uncertain Significance.

NM_001113378.2(FANCI):c.2270A>G (p.Asn757Ser)

Gene: FANCI (FA complementation group I; plus strand). Cytogenetic location: 15q26.1.
Variant type: single nucleotide variant.
Coding change: c.2270A>G on transcript NM_001113378.2 (MANE Select); coding-DNA position 2270, A replaced by G.
Protein change: p.Asn757Ser; replaces asparagine 757 with serine.
Molecular consequence: missense variant.
Genome position (GRCh38, 1-based): chr15:89,293,042, A>G. VCF-style: chr15-89293042-A-G. GRCh37 (hg19) VCF-style: chr15-89836273-A-G.
Other names: c.1991A>G, p.Asn664Ser (NM_001376910.1); c.2270A>G, p.Asn757Ser (NM_001376911.1, NM_018193.3); short protein forms N664S, N757S.
Identifiers: ClinVar variation 1372928 (VCV001372928.5), dbSNP rs111883566, ClinGen allele CA7723326.
Genomic context (GRCh38, chr15:89,293,042, plus strand): 5'-TAAAAAATAATATCTGTGCTTTTCTTGTGATGGGAGTTTGTGAGGTTTTAATAGAATACA[A>G]TTTCTCCATAAGTAGTTTCAGGTAAGGTTTTGCTATAACTCCATTTGTAATTTGATGAAT-3'
Protein context (NP_001106849.1, residues 747-767): MGVCEVLIEY[Asn757Ser]FSISSFSKNR